The following is an entry in ClinVar:

NM_020937.4(FANCM):c.5170G>A (p.Val1724Ile)

Gene: FANCM (FA complementation group M; plus strand). Cytogenetic location: 14q21.2.
Variant type: single nucleotide variant.
Coding change: c.5170G>A on transcript NM_020937.4 (MANE Select); coding-DNA position 5170, G replaced by A.
Protein change: p.Val1724Ile; replaces valine 1724 with isoleucine.
Molecular consequence: missense variant.
Genome position (GRCh38, 1-based): chr14:45,189,192, G>A. VCF-style: chr14-45189192-G-A. GRCh37 (hg19) VCF-style: chr14-45658395-G-A.
Other names: c.5092G>A, p.Val1698Ile (NM_001308133.2); short protein forms V1698I, V1724I.
Identifiers: ClinVar variation 4022726 (VCV004022726.1).

ClinVar aggregate classification (germline): Uncertain significance (1 of 4 stars; one submission).

Conditions:
Inborn genetic diseases. Identifiers: MedGen C0950123, MeSH D030342.

Submission:

Ambry Genetics
Classification: Uncertain significance for Inborn genetic diseases. Last evaluated: 2025-04-25. Review status: criteria provided, single submitter. Criteria: Ambry Variant Classification Scheme 2023. Collection method: clinical testing. Allele origin: germline.
Comment: The p.V1724I variant (also known as c.5170G>A), located in coding exon 20 of the FANCM gene, results from a G to A substitution at nucleotide position 5170. The valine at codon 1724 is replaced by isoleucine, an amino acid with highly similar properties. This amino acid position is conserved. In addition, this alteration is predicted to be tolerated by in silico analysis. Based on the available evidence, the clinical significance of this variant remains unclear.